The following is an entry in ClinVar:

ClinVar aggregate classification (germline): Conflicting classifications of pathogenicity. Review status: criteria provided, conflicting classifications (1 of 4 stars). 5 submissions from 5 submitters: Uncertain significance (1); Benign (1); Likely benign (2). 1 of the submissions does not count toward it. Last evaluated 2026-01-28.

Conditions:
ATP13A2-related disorder. Also called: ATP13A2-related disorders; ATP13A2-related condition.
Autosomal recessive spastic paraplegia type 78. Identifiers: Orphanet 513436, MedGen C5567893, MONDO:0014975, OMIM 617225.
Kufor-Rakeb syndrome (KRS). Also called: PARKINSON DISEASE 9, AUTOSOMAL RECESSIVE, JUVENILE-ONSET. Identifiers: Orphanet 306674, Orphanet 314632, MedGen C1847640, MONDO:0011706, OMIM 606693.
Inborn genetic diseases. Identifiers: MedGen C0950123, MeSH D030342.

Allele frequency attached by ClinVar (database versions not stated): TOPMed 0.00007; gnomAD exomes 0.00032 and 0.00072; ExAC 0.00085; 1000 Genomes Project 30x 0.00156; 1000 Genomes Project 0.00200.
gnomAD v4.1: 491 of 1,610,396 alleles (0.03%); highest among the groups gnomAD compares: South Asian, 0.5%; 5 homozygotes.

Submissions (5):

Labcorp Genetics (formerly Invitae), Labcorp
Classification: Benign for Kufor-Rakeb syndrome; Autosomal recessive spastic paraplegia type 78. Last evaluated: 2026-01-28. Review status: criteria provided, single submitter. Criteria: Invitae Variant Classification Sherloc (09022015). Collection method: clinical testing. Allele origin: germline.

Blueprint Genetics
Classification: Likely benign. Last evaluated: 2024-07-31. Review status: criteria provided, single submitter. Criteria: ACMG Guidelines, 2015. Collection method: clinical testing. Allele origin: germline.

GeneDx
Classification: Likely benign. Last evaluated: 2020-10-21. Review status: criteria provided, single submitter. Criteria: GeneDx Variant Classification Process June 2021. Collection method: clinical testing. Allele origin: germline. Affected: yes.
Comment: See Variant Classification Assertion Criteria.

Ambry Genetics
Classification: Uncertain significance for Inborn genetic diseases. Last evaluated: 2016-07-08. Review status: criteria provided, single submitter. Criteria: Ambry Variant Classification Scheme 2023. Collection method: clinical testing. Allele origin: germline.
Comment: The p.G1177S variant (also known as c.3529G>A), located in coding exon 29 of the ATP13A2 gene, results from a G to A substitution at nucleotide position 3529. The glycine at codon 1177 is replaced by serine, an amino acid with similar properties. This amino acid position is not well conserved in available vertebrate species. In addition, this alteration is predicted to be tolerated by in silico analysis. Since supporting evidence is limited at this time, the clinical significance of this alteration remains unclear.

PreventionGenetics, part of Exact Sciences
Classification: Likely benign for ATP13A2-related condition. Last evaluated: 2020-10-13. Review status: no assertion criteria provided. Collection method: clinical testing. Allele origin: germline. Not counted in ClinVar's aggregate classification.
Comment: This variant is classified as likely benign based on ACMG/AMP sequence variant interpretation guidelines (Richards et al. 2015 PMID: 25741868, with internal and published modifications).

NM_022089.4(ATP13A2):c.3529G>A (p.Gly1177Ser)

Gene: ATP13A2 (ATPase cation transporting 13A2; minus strand). Cytogenetic location: 1p36.13.
Variant type: single nucleotide variant.
Coding change: c.3529G>A on transcript NM_022089.4 (MANE Select); coding-DNA position 3529, G replaced by A.
Protein change: p.Gly1177Ser; replaces glycine 1177 with serine.
Molecular consequence: missense variant.
Genome position (GRCh38, 1-based): chr1:16,986,235, C>T on the plus strand (G>A on the coding strand, the complement: ATP13A2 is on the minus strand). VCF-style: chr1-16986235-C-T. GRCh37 (hg19) VCF-style: chr1-17312730-C-T.
Other names: c.3514G>A, p.Gly1172Ser (NM_001141973.3); c.3227G>A, p.Arg1076Gln (NM_001141974.3); short protein forms G1177S, G1172S, R1076Q.
Identifiers: ClinVar variation 587913 (VCV000587913.20), dbSNP rs547860186, ClinGen allele CA636456.